The following is an entry in ClinVar:

ClinVar aggregate classification (germline): Likely benign (0 of 4 stars; one submission).

Conditions:
ZFHX3-related disorder. Also called: ZFHX3-related condition.

Allele frequency attached by ClinVar (database versions not stated): gnomAD exomes below 0.00001.
gnomAD v4.1: 2 of 1,613,980 alleles (0.00012%); highest among the groups gnomAD compares: African/African-American, 0.0013%; no homozygotes.

Submission:

PreventionGenetics, part of Exact Sciences
Classification: Likely benign for ZFHX3-related condition. Last evaluated: 2019-08-15. Review status: no assertion criteria provided. Collection method: clinical testing. Allele origin: germline.
Comment: This variant is classified as likely benign based on ACMG/AMP sequence variant interpretation guidelines (Richards et al. 2015 PMID: 25741868, with internal and published modifications).

NM_006885.4(ZFHX3):c.9241T>C (p.Leu3081=)

Genes: ZFHX3 (zinc finger homeobox 3; minus strand), ZFHX3-AS1 (ZFHX3 antisense RNA 1; plus strand). Cytogenetic location: 16q22.2.
Variant type: single nucleotide variant.
Coding change: c.9241T>C on transcript NM_006885.4 (MANE Select); coding-DNA position 9241, T replaced by C.
Protein change: p.Leu3081=; no amino-acid change (leucine 3081 retained).
Molecular consequence: synonymous variant.
Genome position (GRCh38, 1-based): chr16:72,793,441, A>G on the plus strand (T>C on the coding strand, the complement: ZFHX3 is on the minus strand). VCF-style: chr16-72793441-A-G. GRCh37 (hg19) VCF-style: chr16-72827340-A-G.
Other names: c.6499T>C, p.Leu2167= (NM_001164766.2); c.9241T>C, p.Leu3081= (NM_001386735.1).
Identifiers: ClinVar variation 3052476 (VCV003052476.2), dbSNP rs1435666095, ClinGen allele CA496417651.